The following is an entry in ClinVar:

ClinVar aggregate classification (germline): Likely benign. Review status: criteria provided, multiple submitters, no conflicts (2 of 4 stars). 3 submissions from 3 submitters: Likely benign (3). Last evaluated 2025-08-01.

Conditions:
Hereditary cancer-predisposing syndrome. Also called: Hereditary Cancer Syndrome; Neoplastic Syndromes, Hereditary; Hereditary neoplastic syndrome; Tumor predisposition. Identifiers: Orphanet 140162, MedGen C0027672, MeSH D009386, MONDO:0015356.
Neuroblastoma, susceptibility to, 3. Also called: ALK-Related Neuroblastic Tumor Susceptibility. Identifiers: Orphanet 635, MedGen C2751681, MONDO:0013083, OMIM 613014.

gnomAD v4.1: 1 of 1,614,252 alleles (0.000062%); highest among the groups gnomAD compares: Non-Finnish European, 0.000085%; no homozygotes.

Submissions (3):

CeGaT Center for Human Genetics Tuebingen
Classification: Likely benign. Last evaluated: 2025-08-01. Review status: criteria provided, single submitter. Criteria: CeGaT Center For Human Genetics Tuebingen Variant Classification Criteria Version 2. Collection method: clinical testing. Allele origin: germline. Affected: yes. Observed: 1 variant allele.
Comment: ALK: BP4, BP7

Labcorp Genetics (formerly Invitae), Labcorp
Classification: Likely benign for Neuroblastoma, susceptibility to, 3. Last evaluated: 2025-02-26. Review status: criteria provided, single submitter. Criteria: Invitae Variant Classification Sherloc (09022015). Collection method: clinical testing. Allele origin: germline.

Ambry Genetics
Classification: Likely benign for Hereditary cancer-predisposing syndrome. Last evaluated: 2024-08-04. Review status: criteria provided, single submitter. Criteria: Ambry Variant Classification Scheme 2023. Collection method: clinical testing. Allele origin: germline.

NM_004304.5(ALK):c.2610A>G (p.Leu870=)

Gene: ALK (ALK receptor tyrosine kinase; minus strand). Cytogenetic location: 2p23.2.
Variant type: single nucleotide variant.
Coding change: c.2610A>G on transcript NM_004304.5 (MANE Select); coding-DNA position 2610, A replaced by G.
Protein change: p.Leu870=; no amino-acid change (leucine 870 retained).
Molecular consequence: synonymous variant.
Genome position (GRCh38, 1-based): chr2:29,232,326, T>C on the plus strand (A>G on the coding strand, the complement: ALK is on the minus strand). VCF-style: chr2-29232326-T-C. GRCh37 (hg19) VCF-style: chr2-29455192-T-C.
Other names: c.2610A>G (NM_004304.4).
Identifiers: ClinVar variation 1655712 (VCV001655712.17), dbSNP rs2148183276, ClinGen allele CA425436615.